The following is an entry in ClinVar:

ClinVar aggregate classification (germline): Uncertain significance (1 of 4 stars; one submission).

Conditions:
Neuroblastoma, susceptibility to, 3. Also called: ALK-Related Neuroblastic Tumor Susceptibility. Identifiers: Orphanet 635, MedGen C2751681, MONDO:0013083, OMIM 613014.

Allele frequency attached by ClinVar (database versions not stated): gnomAD 0.00001; TOPMed 0.00002.
gnomAD v4.1: 2 of 1,613,982 alleles (0.00012%); highest among the groups gnomAD compares: African/African-American, 0.0013%; no homozygotes.

Submission:

Labcorp Genetics (formerly Invitae), Labcorp
Classification: Uncertain significance for Neuroblastoma, susceptibility to, 3. Last evaluated: 2023-08-17. Review status: criteria provided, single submitter. Criteria: Invitae Variant Classification Sherloc (09022015). Collection method: clinical testing. Allele origin: germline.
Comment: This sequence change replaces serine, which is neutral and polar, with arginine, which is basic and polar, at codon 342 of the ALK protein (p.Ser342Arg). This variant is present in population databases (no rsID available, gnomAD 0.01%). This variant has not been reported in the literature in individuals affected with ALK-related conditions. ClinVar contains an entry for this variant (Variation ID: 664494). An algorithm developed to predict the effect of missense changes on protein structure and function (PolyPhen-2) suggests that this variant is likely to be disruptive. In summary, the available evidence is currently insufficient to determine the role of this variant in disease. Therefore, it has been classified as a Variant of Uncertain Significance.

NM_004304.5(ALK):c.1024A>C (p.Ser342Arg)

Gene: ALK (ALK receptor tyrosine kinase; minus strand). Cytogenetic location: 2p23.2.
Variant type: single nucleotide variant.
Coding change: c.1024A>C on transcript NM_004304.5 (MANE Select); coding-DNA position 1024, A replaced by C.
Protein change: p.Ser342Arg; replaces serine 342 with arginine.
Molecular consequence: missense variant.
Genome position (GRCh38, 1-based): chr2:29,532,045, T>G on the plus strand (A>C on the coding strand, the complement: ALK is on the minus strand). VCF-style: chr2-29532045-T-G. GRCh37 (hg19) VCF-style: chr2-29754911-T-G.
Other names: short protein forms S342R.
Identifiers: ClinVar variation 664494 (VCV000664494.8), dbSNP rs973756393, ClinGen allele CA44957097.